The following is an entry in ClinVar:

NM_020461.4(TUBGCP6):c.4340T>C (p.Leu1447Ser)

Gene: TUBGCP6 (tubulin gamma complex component 6; minus strand). Cytogenetic location: 22q13.33.
Variant type: single nucleotide variant.
Coding change: c.4340T>C on transcript NM_020461.4 (MANE Select); coding-DNA position 4340, T replaced by C.
Protein change: p.Leu1447Ser; replaces leucine 1447 with serine.
Molecular consequence: missense variant.
Genome position (GRCh38, 1-based): chr22:50,219,432, A>G on the plus strand (T>C on the coding strand, the complement: TUBGCP6 is on the minus strand). VCF-style: chr22-50219432-A-G. GRCh37 (hg19) VCF-style: chr22-50657861-A-G.
Other names: short protein forms L1447S.
Identifiers: ClinVar variation 1479680 (VCV001479680.6), dbSNP rs990243426, ClinGen allele CA412172717.
Genomic context (GRCh38, chr22:50,219,432, plus strand): 5'-GCGGCAGACTGGACCTGGGGGTCCACGGGGAAGGCGAAGGCCCGGGGAAGCACGGGGCGC[A>G]AAAGATGAGCAATGGGCGGCTCGGCTGCGGGAGATGGAGCACGCACGTGCTGGGAACCGG-3'
Protein context (NP_065194.3, residues 1437-1457): SMSEPPIAHL[Leu1447Ser]RPVLPRAFAF

ClinVar aggregate classification (germline): Uncertain significance (1 of 4 stars; one submission).

Submission:

Labcorp Genetics (formerly Invitae), Labcorp
Classification: Uncertain significance. Last evaluated: 2022-08-23. Review status: criteria provided, single submitter. Criteria: Invitae Variant Classification Sherloc (09022015). Collection method: clinical testing. Allele origin: germline.
Comment: This sequence change replaces leucine, which is neutral and non-polar, with serine, which is neutral and polar, at codon 1447 of the TUBGCP6 protein (p.Leu1447Ser). This variant is present in population databases (no rsID available, gnomAD 0.008%). This variant has not been reported in the literature in individuals affected with TUBGCP6-related conditions. ClinVar contains an entry for this variant (Variation ID: 1479680). Algorithms developed to predict the effect of missense changes on protein structure and function are either unavailable or do not agree on the potential impact of this missense change (SIFT: "Deleterious"; PolyPhen-2: "Possibly Damaging"; Align-GVGD: "Class C0"). In summary, the available evidence is currently insufficient to determine the role of this variant in disease. Therefore, it has been classified as a Variant of Uncertain Significance.